The following is an entry in ClinVar:

NM_000083.3(CLCN1):c.1027T>C (p.Phe343Leu)

Gene: CLCN1 (chloride voltage-gated channel 1; plus strand). Cytogenetic location: 7q34.
Variant type: single nucleotide variant.
Coding change: c.1027T>C on transcript NM_000083.3 (MANE Select); coding-DNA position 1027, T replaced by C.
Protein change: p.Phe343Leu; replaces phenylalanine 343 with leucine.
Molecular consequence: missense variant. On other transcripts: non-coding transcript variant (1).
Genome position (GRCh38, 1-based): chr7:143,331,279, T>C. VCF-style: chr7-143331279-T-C. GRCh37 (hg19) VCF-style: chr7-143028372-T-C.
Other names: short protein forms F343L.
Identifiers: ClinVar variation 523317 (VCV000523317.6), dbSNP rs1554436510, ClinGen allele CA369641865.

ClinVar aggregate classification (germline): Conflicting classifications of pathogenicity. Review status: criteria provided, conflicting classifications (1 of 4 stars). 3 submissions from 3 submitters: Likely pathogenic (1); Uncertain significance (2). Last evaluated 2026-01-21.

Conditions:
Congenital myotonia, autosomal recessive form. Also called: BECKER DISEASE; myotonia congenita, autosomal recessive; Becker Generalized Myotonia. Identifiers: Orphanet 614, MedGen C0751360, MONDO:0009715, OMIM 255700.
Congenital myotonia, autosomal dominant form (THD). Also called: THOMSEN DISEASE; Myotonia congenita autosomal dominant. Identifiers: Orphanet 614, MedGen C2936781, MONDO:0008055, OMIM 160800.
Myotonia. Identifiers: MedGen C0700153, HP:0002486.
EMG: myotonic discharges. Identifiers: MedGen C4022169, HP:0100284.

Submissions (3):

GeneDx
Classification: Uncertain significance. Last evaluated: 2026-01-21. Review status: criteria provided, single submitter. Criteria: GeneDx Variant Classification Process June 2021. Collection method: clinical testing. Allele origin: germline.
Comment: Not observed at significant frequency in large population cohorts (gnomAD); In silico analysis supports that this missense variant has a deleterious effect on protein structure/function; Has not been previously published as pathogenic or benign to our knowledge

Labcorp Genetics (formerly Invitae), Labcorp
Classification: Uncertain significance for Congenital myotonia, autosomal recessive form; Congenital myotonia, autosomal dominant form. Last evaluated: 2024-02-17. Review status: criteria provided, single submitter. Criteria: Invitae Variant Classification Sherloc (09022015). Collection method: clinical testing. Allele origin: germline.
Comment: This sequence change replaces phenylalanine, which is neutral and non-polar, with leucine, which is neutral and non-polar, at codon 343 of the CLCN1 protein (p.Phe343Leu). This variant is not present in population databases (gnomAD no frequency). This variant has not been reported in the literature in individuals affected with CLCN1-related conditions. ClinVar contains an entry for this variant (Variation ID: 523317). Advanced modeling of protein sequence and biophysical properties (such as structural, functional, and spatial information, amino acid conservation, physicochemical variation, residue mobility, and thermodynamic stability) performed at Invitae indicates that this missense variant is expected to disrupt CLCN1 protein function with a positive predictive value of 80%. In summary, the available evidence is currently insufficient to determine the role of this variant in disease. Therefore, it has been classified as a Variant of Uncertain Significance.

Centre for Mendelian Genomics, University Medical Centre Ljubljana
Classification: Likely pathogenic for EMG: myotonic discharges; Myotonia. Last evaluated: 2017-01-01. Review status: criteria provided, single submitter. Criteria: ACMG Guidelines, 2015. Collection method: clinical testing. Allele origin: unknown. Affected: yes.